The following continues an entry in ClinVar:

NM_032043.3(BRIP1):c.2344A>G (p.Ile782Val)

Gene: BRIP1. ClinVar aggregate classification (germline): Uncertain significance. Uncertain significance (13).

Submissions 10 to 15 of 15:

Quest Diagnostics Nichols Institute San Juan Capistrano
Classification: Uncertain significance. Last evaluated: 2022-10-12. Review status: criteria provided, single submitter. Criteria: Quest Diagnostics criteria. Collection method: clinical testing. Allele origin: unknown.
Comment: The frequency of this variant in the general population, 0.000008 (2/251332 chromosomes), is uninformative in assessment of its pathogenicity. In the published literature, the variant has been reported in individuals affected with breast cancer and in controls (PMID: 26921362 (2016)) as well as in individuals affected with pancreatic cancer (PMID: 28767289 (2017)). One functional study described this variant as a hypomorph due to the modest reduction in cellular growth observed after high-dose treatment with a DNA damaging agent (PMID: 31822495 (2020)). Analysis of this variant using bioinformatics tools for the prediction of the effect of amino acid changes on protein structure and function yielded predictions that this variant is benign. Based on the available information, we are unable to determine the clinical significance of this variant.

GeneDx
Classification: Uncertain significance. Last evaluated: 2021-06-17. Review status: criteria provided, single submitter. Criteria: GeneDx Variant Classification Process June 2021. Collection method: clinical testing. Allele origin: germline. Affected: yes.
Comment: Not observed at significant frequency in large population cohorts (Lek 2016); In silico analysis, which includes protein predictors and evolutionary conservation, supports that this variant does not alter protein structure/function; Observed in individuals with breast or pancreatic cancer (Easton 2016, Shindo 2017); Published functional studies are inconclusive: lack of cisplatin sensitivity but intermediate mitomycin C sensitivity (Moyer 2020); This variant is associated with the following publications: (PMID: 24123366, 26921362, 28767289, 27535533, 31822495)

Mendelics
Classification: Uncertain significance for Familial cancer of breast. Last evaluated: 2019-05-28. Review status: criteria provided, single submitter. Criteria: Mendelics Assertion Criteria 2017. Collection method: clinical testing. Allele origin: unknown.

Division of Medical Genetics, University of Washington
Classification: Uncertain significance for Familial cancer of breast. Last evaluated: 2018-12-06. Review status: criteria provided, single submitter. Criteria: ACMG Guidelines, 2015. Collection method: clinical testing. Allele origin: germline. Affected: no. Study: CSER_CHARM.
Comment: The c.2344A>G missense variant has been identified in individuals with breast cancer and pancreatic cancer (Easton 2016, Shindo 2017), but has not to our knowledge been reported in an individual with ovarian cancer. The vast majority of pathogenic variants reported in the BRIP1 gene to date are truncating variants. The c.2344A>G variant has an allele frequency of 0.000008 in the Broad Institute ExAC Browser. Thus, it is unknown at this time whether this variant increases cancer risk.

Counsyl
Classification: Uncertain significance for Fanconi anemia complementation group J. Last evaluated: 2016-08-30. Review status: no assertion criteria provided. Collection method: clinical testing. Allele origin: unknown. Not counted in ClinVar's aggregate classification.

Counsyl
Classification: Uncertain significance for Ovarian cancer. Last evaluated: 2016-08-30. Review status: no assertion criteria provided. Collection method: clinical testing. Allele origin: unknown. Not counted in ClinVar's aggregate classification.

Literature cited by the submitters: PubMed 26921362 (cited by 4 submitters); PubMed 28767289 (cited by 4 submitters); PubMed 32659497 (cited by 3 submitters); PubMed 34326862 (cited by Labcorp Genetics (formerly Invitae), Labcorp and Women's Health and Genetics/Laboratory Corporation of America, LabCorp); PubMed 31822495 (cited by 5 submitters); PubMed 33471991 (cited by Color Diagnostics, LLC DBA Color Health); PubMed 24123366 (cited by Quest Diagnostics Nichols Institute San Juan Capistrano).